The following is an entry in ClinVar:

NM_001379291.1(BRD4):c.2810A>G (p.Lys937Arg)

Gene: BRD4 (bromodomain containing 4; minus strand). Cytogenetic location: 19p13.12.
Variant type: single nucleotide variant.
Coding change: c.2810A>G on transcript NM_001379291.1 (MANE Select); coding-DNA position 2810, A replaced by G.
Protein change: p.Lys937Arg; replaces lysine 937 with arginine.
Molecular consequence: missense variant.
Genome position (GRCh38, 1-based): chr19:15,243,259, T>C on the plus strand (A>G on the coding strand, the complement: BRD4 is on the minus strand). VCF-style: chr19-15243259-T-C. GRCh37 (hg19) VCF-style: chr19-15354070-T-C.
Other names: c.2810A>G, p.Lys937Arg (NM_058243.3); short protein forms K937R.
Identifiers: ClinVar variation 2758975 (VCV002758975.3), dbSNP rs1454810212, ClinGen allele CA404504678.
Genomic context (GRCh38, chr19:15,243,259, plus strand): 5'-GGGGGTGGGGGCTGGGACTGCACCTTCACGGAAGGGAGTAGCGGCGTAGGGGGCTGCACC[T>C]TCTGCAGCTGCTGCAGGTACAGCTGCATCTGCATGGAGGTGAGGGGTGGGGCAGGTGGCT-3'
Protein context (NP_001366220.1, residues 927-947): QMQLYLQQLQ[Lys937Arg]VQPPTPLLPS

ClinVar aggregate classification (germline): Uncertain significance (1 of 4 stars; one submission).

Submission:

Labcorp Genetics (formerly Invitae), Labcorp
Classification: Uncertain significance. Last evaluated: 2023-06-03. Review status: criteria provided, single submitter. Criteria: Invitae Variant Classification Sherloc (09022015). Collection method: clinical testing. Allele origin: germline.
Comment: In summary, the available evidence is currently insufficient to determine the role of this variant in disease. Therefore, it has been classified as a Variant of Uncertain Significance. Advanced modeling of protein sequence and biophysical properties (such as structural, functional, and spatial information, amino acid conservation, physicochemical variation, residue mobility, and thermodynamic stability) performed at Invitae indicates that this missense variant is not expected to disrupt BRD4 protein function. This variant has not been reported in the literature in individuals affected with BRD4-related conditions. This variant is not present in population databases (gnomAD no frequency). This sequence change replaces lysine, which is basic and polar, with arginine, which is basic and polar, at codon 937 of the BRD4 protein (p.Lys937Arg).